The following is an entry in ClinVar:

ClinVar aggregate classification (germline): Uncertain significance (1 of 4 stars; one submission).

Conditions:
Familial hemophagocytic lymphohistiocytosis 2 (FHL2). Also called: PRF1-Related Familial Hemophagocytic Lymphohistiocytosis (PRF1-fHLH). Identifiers: Orphanet 540, MedGen C1863727, MONDO:0011337, OMIM 603553.

Allele frequency attached by ClinVar (database versions not stated): ExAC 0.00001.
gnomAD v4.1: 30 of 1,613,758 alleles (0.0019%); highest among the groups gnomAD compares: African/African-American, 0.008%; no homozygotes.

Submission:

Labcorp Genetics (formerly Invitae), Labcorp
Classification: Uncertain significance for Familial hemophagocytic lymphohistiocytosis 2. Last evaluated: 2024-10-16. Review status: criteria provided, single submitter. Criteria: Invitae Variant Classification Sherloc (09022015). Collection method: clinical testing. Allele origin: germline.
Comment: This sequence change replaces tryptophan, which is neutral and slightly polar, with leucine, which is neutral and non-polar, at codon 428 of the PRF1 protein (p.Trp428Leu). This variant is present in population databases (rs747646127, gnomAD 0.01%). This variant has not been reported in the literature in individuals affected with PRF1-related conditions. ClinVar contains an entry for this variant (Variation ID: 1464856). Invitae Evidence Modeling of protein sequence and biophysical properties (such as structural, functional, and spatial information, amino acid conservation, physicochemical variation, residue mobility, and thermodynamic stability) indicates that this missense variant is expected to disrupt PRF1 protein function with a positive predictive value of 95%. In summary, the available evidence is currently insufficient to determine the role of this variant in disease. Therefore, it has been classified as a Variant of Uncertain Significance.

NM_001083116.3(PRF1):c.1283G>T (p.Trp428Leu)

Gene: PRF1 (perforin 1; minus strand). Cytogenetic location: 10q22.1.
Variant type: single nucleotide variant.
Coding change: c.1283G>T on transcript NM_001083116.3 (MANE Select); coding-DNA position 1283, G replaced by T.
Protein change: p.Trp428Leu; replaces tryptophan 428 with leucine.
Molecular consequence: missense variant.
Genome position (GRCh38, 1-based): chr10:70,598,438, C>A on the plus strand (G>T on the coding strand, the complement: PRF1 is on the minus strand). VCF-style: chr10-70598438-C-A. GRCh37 (hg19) VCF-style: chr10-72358194-C-A.
Other names: c.1283G>T, p.Trp428Leu (NM_005041.6); short protein forms W428L.
Identifiers: ClinVar variation 1464856 (VCV001464856.6), dbSNP rs747646127, ClinGen allele CA5538777.
Genomic context (GRCh38, chr10:70,598,438, plus strand): 5'-AGCTCCTGGCCACCAAAGAAGAGCTTCACATAGGCATCCGTGGCAGTGAACCAGTCCCCC[C>A]ACAGGCCCCATGCTTGGATGAAGGTCACCTCCAGCTGGGCCAGGCCCCTCTGCCGAGGGC-3'
Protein context (NP_001076585.1, residues 418-438): EVTFIQAWGL[Trp428Leu]GDWFTATDAY